The following is an entry in ClinVar:

NM_002470.4(MYH3):c.297_298delinsAT (p.Pro100Ser)

Gene: MYH3 (myosin heavy chain 3; minus strand). Cytogenetic location: 17p13.1.
Variant type: Indel.
Coding change: c.297_298delinsAT on transcript NM_002470.4 (MANE Select); coding-DNA positions 297 to 298, GC replaced by AT.
Protein change: p.Pro100Ser; replaces proline 100 with serine.
Molecular consequence: missense variant.
Genome position (GRCh38, 1-based): chr17:10,652,470-10,652,471, GC replaced by AT on the plus strand (GC replaced by AT on the coding strand, the reverse complement: MYH3 is on the minus strand). VCF-style: chr17-10652470-GC-AT. GRCh37 (hg19) VCF-style: chr17-10555787-GC-AT.
Other names: short protein forms P100S.
Identifiers: ClinVar variation 2085894 (VCV002085894.4), dbSNP rs2508647192, ClinGen allele CA2580092511.

ClinVar aggregate classification (germline): Uncertain significance (1 of 4 stars; one submission).

Submission:

Labcorp Genetics (formerly Invitae), Labcorp
Classification: Uncertain significance. Last evaluated: 2022-08-09. Review status: criteria provided, single submitter. Criteria: Invitae Variant Classification Sherloc (09022015). Collection method: clinical testing. Allele origin: germline.
Comment: In summary, the available evidence is currently insufficient to determine the role of this variant in disease. Therefore, it has been classified as a Variant of Uncertain Significance. Experimental studies and prediction algorithms are not available or were not evaluated, and the functional significance of this variant is currently unknown. This variant has not been reported in the literature in individuals affected with MYH3-related conditions. Information on the frequency of this variant in the gnomAD database is not available, as this variant may be reported differently in the database. This sequence change replaces proline, which is neutral and non-polar, with serine, which is neutral and polar, at codon 100 of the MYH3 protein (p.Pro100Ser).